The following is an entry in ClinVar:

NM_001330360.2(POLA1):c.4395C>T (p.Ala1465=)

Gene: POLA1 (DNA polymerase alpha 1, catalytic subunit; plus strand). Cytogenetic location: Xp21.3.
Variant type: single nucleotide variant.
Coding change: c.4395C>T on transcript NM_001330360.2 (MANE Select); coding-DNA position 4395, C replaced by T.
Protein change: p.Ala1465=; no amino-acid change (alanine 1465 retained).
Molecular consequence: synonymous variant. On other transcripts: non-coding transcript variant (2).
Genome position (GRCh38, 1-based): chrX:24,995,938, C>T. VCF-style: chrX-24995938-C-T. GRCh37 (hg19) VCF-style: chrX-25014055-C-T.
Other names: c.4320C>T, p.Ala1440= (NM_001378303.1); c.4377C>T, p.Ala1459= (NM_016937.4); c.4377C>T (NM_016937.3).
Identifiers: ClinVar variation 1164608 (VCV001164608.11), dbSNP rs144848232, ClinGen allele CA10373749.

ClinVar aggregate classification (germline): Benign/Likely benign. Review status: criteria provided, multiple submitters, no conflicts (2 of 4 stars). 4 submissions from 4 submitters: Benign (2); Likely benign (2). Last evaluated 2026-09-08.

Conditions:
POLA1-related disorder. Also called: POLA1-related condition.

Allele frequency attached by ClinVar (database versions not stated): ESP Exome Variant Server 0.00312; 1000 Genomes Project 30x 0.00354; 1000 Genomes Project 0.00397.
gnomAD v4.1: 636 of 1,207,053 alleles (0.053%); highest among the groups gnomAD compares: African/African-American, 0.95%; 3 homozygotes.

Submissions (4):

PreventionGenetics, part of Exact Sciences
Classification: Likely benign for POLA1-related condition. Last evaluated: 2026-09-08. Review status: criteria provided, single submitter. Criteria: ACMG Guidelines, 2015. Collection method: clinical testing. Allele origin: germline.
Comment: This variant is classified as likely benign based on ACMG/AMP sequence variant interpretation guidelines (Richards et al. 2015 PMID: 25741868, with internal and published modifications).

Labcorp Genetics (formerly Invitae), Labcorp
Classification: Benign. Last evaluated: 2026-02-02. Review status: criteria provided, single submitter. Criteria: Invitae Variant Classification Sherloc (09022015). Collection method: clinical testing. Allele origin: germline.

Blueprint Genetics
Classification: Likely benign. Last evaluated: 2024-10-18. Review status: criteria provided, single submitter. Criteria: ACMG Guidelines, 2015. Collection method: clinical testing. Allele origin: germline.

Breakthrough Genomics
Classification: Benign. Review status: criteria provided, single submitter. Criteria: ACMG Guidelines, 2015. Collection method: not provided. Allele origin: germline. Inheritance: X-linked inheritance. Affected: yes.